The following is an entry in ClinVar:

NM_001743.6(CALM2):c.130C>T (p.Pro44Ser)

Gene: CALM2 (calmodulin 2; minus strand). Cytogenetic location: 2p21.
Variant type: single nucleotide variant.
Coding change: c.130C>T on transcript NM_001743.6 (MANE Select); coding-DNA position 130, C replaced by T.
Protein change: p.Pro44Ser; replaces proline 44 with serine.
Molecular consequence: missense variant.
Genome position (GRCh38, 1-based): chr2:47,162,567, G>A on the plus strand (C>T on the coding strand, the complement: CALM2 is on the minus strand). VCF-style: chr2-47162567-G-A. GRCh37 (hg19) VCF-style: chr2-47389706-G-A.
Other names: c.274C>T, p.Pro92Ser (NM_001305624.1); c.22C>T, p.Pro8Ser (NM_001305625.2, NM_001305626.1); short protein forms P44S, P8S, P92S.
Identifiers: ClinVar variation 1769618 (VCV001769618.2), dbSNP rs2465709290, ClinGen allele CA346719935.

ClinVar aggregate classification (germline): Uncertain significance (1 of 4 stars; one submission).

Conditions:
Cardiovascular phenotype. Identifiers: MedGen CN230736.

Submission:

Ambry Genetics
Classification: Uncertain significance for Cardiovascular phenotype. Last evaluated: 2019-08-01. Review status: criteria provided, single submitter. Criteria: Ambry Variant Classification Scheme 2023. Collection method: clinical testing. Allele origin: germline.
Comment: The p.P44S variant (also known as c.130C>T), located in coding exon 3 of the CALM2 gene, results from a C to T substitution at nucleotide position 130. The proline at codon 44 is replaced by serine, an amino acid with similar properties. This amino acid position is highly conserved in available vertebrate species. In addition, this alteration is predicted to be deleterious by in silico analysis. Since supporting evidence is limited at this time, the clinical significance of this alteration remains unclear.